The following is an entry in ClinVar:

NM_005027.4(PIK3R2):c.719G>C (p.Gly240Ala)

Genes: PIK3R2 (phosphoinositide-3-kinase regulatory subunit 2; plus strand), LOC130063979 (ATAC-STARR-seq lymphoblastoid silent region 10375; plus strand). Cytogenetic location: 19p13.11.
Variant type: single nucleotide variant.
Coding change: c.719G>C on transcript NM_005027.4 (MANE Select); coding-DNA position 719, G replaced by C.
Protein change: p.Gly240Ala; replaces glycine 240 with alanine.
Molecular consequence: missense variant. On other transcripts: non-coding transcript variant (1).
Genome position (GRCh38, 1-based): chr19:18,161,399, G>C. VCF-style: chr19-18161399-G-C. GRCh37 (hg19) VCF-style: chr19-18272209-G-C.
Other names: c.719G>C (NM_005027.3); short protein forms G240A.
Identifiers: ClinVar variation 4861903 (VCV004861903.2).

ClinVar aggregate classification (germline): Conflicting classifications of pathogenicity. Review status: criteria provided, conflicting classifications (1 of 4 stars). 2 submissions from 2 submitters: Uncertain significance (1); Likely benign (1). Last evaluated 2026-04-23.

Conditions:
PIK3R2-related disorder. Also called: PIK3R2-related condition.
Inborn genetic diseases. Identifiers: MedGen C0950123, MeSH D030342.

gnomAD v4.1: 19 of 1,220,510 alleles (0.0016%); highest among the groups gnomAD compares: Non-Finnish European, 0.0019%; no homozygotes.

Submissions (2):

Ambry Genetics
Classification: Likely benign for Inborn genetic diseases. Last evaluated: 2026-04-23. Review status: criteria provided, single submitter. Criteria: Ambry Variant Classification Scheme 2023. Collection method: clinical testing. Allele origin: germline.

PreventionGenetics, part of Exact Sciences
Classification: Uncertain significance for PIK3R2-related condition. Last evaluated: 2025-10-31. Review status: criteria provided, single submitter. Criteria: ACMG Guidelines, 2015. Collection method: clinical testing. Allele origin: germline.
Comment: The PIK3R2 c.719G>C variant is predicted to result in the amino acid substitution p.Gly240Ala. To our knowledge, this variant has not been reported in the literature. This variant is reported in 0.0069% of alleles in individuals of European (Non-Finnish) descent in gnomAD. At this time, the clinical significance of this variant is uncertain due to the absence of conclusive functional and genetic evidence.